The following is an entry in ClinVar:

ClinVar aggregate classification (germline): Conflicting classifications of pathogenicity. Review status: criteria provided, conflicting classifications (1 of 4 stars). 5 submissions from 5 submitters: Uncertain significance (3); Likely benign (1). 1 of the submissions does not count toward it. Last evaluated 2024-04-30.

Conditions:
Hereditary cancer-predisposing syndrome. Also called: Hereditary Cancer Syndrome; Hereditary neoplastic syndrome; Tumor predisposition; Neoplastic Syndromes, Hereditary. Identifiers: Orphanet 140162, MedGen C0027672, MeSH D009386, MONDO:0015356.
Fanconi anemia complementation group C (FANCC). Also called: FANCONI PANCYTOPENIA, TYPE 3; FACC; FANCC-Related Fanconi Anemia; Fanconi anemia, group C. Identifiers: Orphanet 84, MedGen C3468041, MONDO:0009213, OMIM 227645.
Fanconi anemia (FA). Also called: Fanconi's anemia. Identifiers: Orphanet 84, MedGen C0015625, MeSH D005199, MONDO:0019391.

Allele frequency attached by ClinVar (database versions not stated): gnomAD exomes below 0.00001; ExAC 0.00001; gnomAD 0.00001; TOPMed 0.00003; ESP Exome Variant Server 0.00008.
gnomAD v4.1: 12 of 1,613,684 alleles (0.00074%); highest among the groups gnomAD compares: East Asian, 0.0022%; no homozygotes.

Submissions (5):

Fulgent Genetics
Classification: Uncertain significance for Fanconi anemia complementation group C. Last evaluated: 2024-04-30. Review status: criteria provided, single submitter. Criteria: ACMG Guidelines, 2015. Collection method: clinical testing. Allele origin: germline.

Ambry Genetics
Classification: Likely benign for Hereditary cancer-predisposing syndrome. Last evaluated: 2023-02-09. Review status: criteria provided, single submitter. Criteria: Ambry Variant Classification Scheme 2023. Collection method: clinical testing. Allele origin: germline.

Labcorp Genetics (formerly Invitae), Labcorp
Classification: Uncertain significance for Fanconi anemia. Last evaluated: 2021-07-14. Review status: criteria provided, single submitter. Criteria: Invitae Variant Classification Sherloc (09022015). Collection method: clinical testing. Allele origin: germline.
Comment: This sequence change replaces arginine with cysteine at codon 433 of the FANCC protein (p.Arg433Cys). The arginine residue is weakly conserved and there is a large physicochemical difference between arginine and cysteine. This variant has not been reported in the literature in individuals affected with FANCC-related conditions. ClinVar contains an entry for this variant (Variation ID: 127531). Algorithms developed to predict the effect of missense changes on protein structure and function (SIFT, PolyPhen-2, Align-GVGD) all suggest that this variant is likely to be tolerated. In summary, the available evidence is currently insufficient to determine the role of this variant in disease. Therefore, it has been classified as a Variant of Uncertain Significance.

GeneDx
Classification: Uncertain significance. Last evaluated: 2020-10-28. Review status: criteria provided, single submitter. Criteria: GeneDx Variant Classification Process June 2021. Collection method: clinical testing. Allele origin: germline. Affected: yes.
Comment: Not observed at a significant frequency in large population cohorts (Lek 2016); In silico analysis supports that this missense variant does not alter protein structure/function; Has not been previously published as pathogenic or benign to our knowledge

Natera, Inc.
Classification: Uncertain significance for Fanconi anemia. Last evaluated: 2018-12-12. Review status: no assertion criteria provided. Collection method: clinical testing. Allele origin: germline. Not counted in ClinVar's aggregate classification.

NM_000136.3(FANCC):c.1297C>T (p.Arg433Cys)

Genes: FANCC (FA complementation group C; minus strand), AOPEP (aminopeptidase O (putative); plus strand). Cytogenetic location: 9q22.32.
Variant type: single nucleotide variant.
Coding change: c.1297C>T on transcript NM_000136.3 (MANE Select); coding-DNA position 1297, C replaced by T.
Protein change: p.Arg433Cys; replaces arginine 433 with cysteine.
Molecular consequence: missense variant.
Genome position (GRCh38, 1-based): chr9:95,111,495, G>A on the plus strand (C>T on the coding strand, the complement: FANCC is on the minus strand). VCF-style: chr9-95111495-G-A. GRCh37 (hg19) VCF-style: chr9-97873777-G-A.
Other names: p.R433C:CGT>TGT; c.1297C>T, p.Arg433Cys (NM_001243743.2, NM_001243744.2); short protein forms R433C.
Identifiers: ClinVar variation 127531 (VCV000127531.15), dbSNP rs369684405, ClinGen allele CA287184.